The following is an entry in ClinVar:

NM_001127649.3(PEX26):c.427G>A (p.Ala143Thr)

Gene: PEX26 (peroxisomal biogenesis factor 26; plus strand). Cytogenetic location: 22q11.21.
Variant type: single nucleotide variant.
Coding change: c.427G>A on transcript NM_001127649.3 (MANE Select); coding-DNA position 427, G replaced by A.
Protein change: p.Ala143Thr; replaces alanine 143 with threonine.
Molecular consequence: missense variant.
Genome position (GRCh38, 1-based): chr22:18,083,492, G>A. VCF-style: chr22-18083492-G-A. GRCh37 (hg19) VCF-style: chr22-18566258-G-A.
Other names: c.427G>A, p.Ala143Thr (NM_001199319.2, NM_017929.6); short protein forms A143T.
Identifiers: ClinVar variation 969794 (VCV000969794.8), dbSNP rs768857476, ClinGen allele CA10093325.
Genomic context (GRCh38, chr22:18,083,492, plus strand): 5'-TGCAGCATTCTTTTATACAGCAAAATGCAAGAGCCTGGAGCTGTGCTGGATGTGGTGGGT[G>A]CCTGGCTCCAAGACCCAGCCAATCAAAACCTTCCAGAATATGGAGCCTTGGCAGAATTTC-3'
Protein context (NP_001121121.1, residues 133-153): EPGAVLDVVG[Ala143Thr]WLQDPANQNL

ClinVar aggregate classification (germline): Uncertain significance. Review status: criteria provided, multiple submitters, no conflicts (2 of 4 stars). 2 submissions from 2 submitters: Uncertain significance (2). Last evaluated 2023-02-28.

Conditions:
Inborn genetic diseases. Identifiers: MedGen C0950123, MeSH D030342.
Peroxisome biogenesis disorder 7A (Zellweger). Also called: Peroxisome biogenesis disorder 7A. Identifiers: Orphanet 912, MedGen C3888385, MONDO:0013938, OMIM 614872.
Peroxisome biogenesis disorder 7B (PBD7B). Identifiers: Orphanet 44, MedGen C3553951, MONDO:0013939, OMIM 614873.

Allele frequency attached by ClinVar (database versions not stated): TOPMed 0.00001; gnomAD exomes 0.00002; ExAC 0.00002.
gnomAD v4.1: 9 of 1,614,138 alleles (0.00056%); highest among the groups gnomAD compares: East Asian, 0.0067%; no homozygotes.

Submissions (2):

Ambry Genetics
Classification: Uncertain significance for Inborn genetic diseases. Last evaluated: 2023-02-28. Review status: criteria provided, single submitter. Criteria: Ambry Variant Classification Scheme 2023. Collection method: clinical testing. Allele origin: germline.

Labcorp Genetics (formerly Invitae), Labcorp
Classification: Uncertain significance for Peroxisome biogenesis disorder 7A (Zellweger); Peroxisome biogenesis disorder 7B. Last evaluated: 2022-08-09. Review status: criteria provided, single submitter. Criteria: Invitae Variant Classification Sherloc (09022015). Collection method: clinical testing. Allele origin: germline.
Comment: This sequence change replaces alanine, which is neutral and non-polar, with threonine, which is neutral and polar, at codon 143 of the PEX26 protein (p.Ala143Thr). This variant is present in population databases (rs768857476, gnomAD 0.02%). This variant has not been reported in the literature in individuals affected with PEX26-related conditions. ClinVar contains an entry for this variant (Variation ID: 969794). Algorithms developed to predict the effect of missense changes on protein structure and function (SIFT, PolyPhen-2, Align-GVGD) all suggest that this variant is likely to be tolerated. In summary, the available evidence is currently insufficient to determine the role of this variant in disease. Therefore, it has been classified as a Variant of Uncertain Significance.